The following is an entry in ClinVar:

ClinVar aggregate classification (germline): Uncertain significance (1 of 4 stars; one submission).

gnomAD v4.1: 1 of 1,613,786 alleles (0.000062%); highest among the groups gnomAD compares: African/African-American, 0.0013%; no homozygotes.

Submission:

Labcorp Genetics (formerly Invitae), Labcorp
Classification: Uncertain significance. Last evaluated: 2024-02-22. Review status: criteria provided, single submitter. Criteria: Invitae Variant Classification Sherloc (09022015). Collection method: clinical testing. Allele origin: germline.
Comment: This sequence change replaces histidine, which is basic and polar, with tyrosine, which is neutral and polar, at codon 2172 of the CACNA1E protein (p.His2172Tyr). This variant is not present in population databases (gnomAD no frequency). This variant has not been reported in the literature in individuals affected with CACNA1E-related conditions. Advanced modeling of protein sequence and biophysical properties (such as structural, functional, and spatial information, amino acid conservation, physicochemical variation, residue mobility, and thermodynamic stability) performed at Invitae indicates that this missense variant is not expected to disrupt CACNA1E protein function with a negative predictive value of 95%. In summary, the available evidence is currently insufficient to determine the role of this variant in disease. Therefore, it has been classified as a Variant of Uncertain Significance.

NM_001205293.3(CACNA1E):c.6643C>T (p.His2215Tyr)

Gene: CACNA1E (calcium voltage-gated channel subunit alpha1 E; plus strand). Cytogenetic location: 1q25.3.
Variant type: single nucleotide variant.
Coding change: c.6643C>T on transcript NM_001205293.3 (MANE Select); coding-DNA position 6643, C replaced by T.
Protein change: p.His2215Tyr; replaces histidine 2215 with tyrosine.
Molecular consequence: missense variant.
Genome position (GRCh38, 1-based): chr1:181,798,535, C>T. VCF-style: chr1-181798535-C-T. GRCh37 (hg19) VCF-style: chr1-181767671-C-T.
Other names: c.6514C>T, p.His2172Tyr (NM_000721.4); c.6457C>T, p.His2153Tyr (NM_001205294.2); short protein forms H2153Y, H2172Y, H2215Y.
Identifiers: ClinVar variation 3620832 (VCV003620832.2).